The following is an entry in ClinVar:

ClinVar aggregate classification (germline): Uncertain significance (1 of 4 stars; one submission).

Conditions:
Primary open angle glaucoma (POAG). Also called: OPTN-related open angle glaucoma. Identifiers: MedGen C0339573, MONDO:0100553, OMIM 137760.
Amyotrophic lateral sclerosis type 12 (ALS12). Also called: AMYOTROPHIC LATERAL SCLEROSIS 12 WITH OR WITHOUT FRONTOTEMPORAL DEMENTIA. Identifiers: Orphanet 803, MedGen C3150692, MONDO:0013264, OMIM 613435.
Glaucoma 1, open angle, E. Identifiers: MedGen C1842026, MONDO:0007665.

Allele frequency attached by ClinVar (database versions not stated): gnomAD 0.00001; TOPMed 0.00003; ExAC 0.00004; 1000 Genomes Project 0.00020; 1000 Genomes Project 30x 0.00031.
gnomAD v4.1: 24 of 1,613,982 alleles (0.0015%); highest among the groups gnomAD compares: Admixed American, 0.005%; no homozygotes.

Submission:

Labcorp Genetics (formerly Invitae), Labcorp
Classification: Uncertain significance for Primary open angle glaucoma; Glaucoma 1, open angle, E; Amyotrophic lateral sclerosis type 12. Last evaluated: 2025-10-26. Review status: criteria provided, single submitter. Criteria: Invitae Variant Classification Sherloc (09022015). Collection method: clinical testing. Allele origin: germline.
Comment: This sequence change replaces proline, which is neutral and non-polar, with leucine, which is neutral and non-polar, at codon 37 of the OPTN protein (p.Pro37Leu). This variant is present in population databases (rs571954285, gnomAD 0.01%). This variant has not been reported in the literature in individuals affected with OPTN-related conditions. ClinVar contains an entry for this variant (Variation ID: 2072787). Invitae Evidence Modeling of protein sequence and biophysical properties (such as structural, functional, and spatial information, amino acid conservation, physicochemical variation, residue mobility, and thermodynamic stability) indicates that this missense variant is not expected to disrupt OPTN protein function with a negative predictive value of 80%. In summary, the available evidence is currently insufficient to determine the role of this variant in disease. Therefore, it has been classified as a Variant of Uncertain Significance.

NM_001008212.2(OPTN):c.110C>T (p.Pro37Leu)

Genes: OPTN (optineurin; plus strand), LOC108903148 (10p13 OPTN distal Alu-mediated recombination region; plus strand). Cytogenetic location: 10p13.
Variant type: single nucleotide variant.
Coding change: c.110C>T on transcript NM_001008212.2 (MANE Select); coding-DNA position 110, C replaced by T.
Protein change: p.Pro37Leu; replaces proline 37 with leucine.
Molecular consequence: missense variant.
Genome position (GRCh38, 1-based): chr10:13,109,232, C>T. VCF-style: chr10-13109232-C-T. GRCh37 (hg19) VCF-style: chr10-13151232-C-T.
Other names: c.110C>T, p.Pro37Leu (NM_001008211.1, NM_001008213.1, NM_021980.4); short protein forms P37L.
Identifiers: ClinVar variation 2072787 (VCV002072787.4), dbSNP rs571954285, ClinGen allele CA5410513.